The following is an entry in ClinVar:

ClinVar aggregate classification (germline): Uncertain significance (1 of 4 stars; one submission).

Conditions:
Aortic aneurysm, familial thoracic 7 (AAT7). Also called: AORTIC DISSECTION, FAMILIAL, WITH OR WITHOUT AORTIC ANEURYSM. Identifiers: MedGen C3151077, MONDO:0013418, OMIM 613780.

Submission:

Labcorp Genetics (formerly Invitae), Labcorp
Classification: Uncertain significance for Aortic aneurysm, familial thoracic 7. Last evaluated: 2023-01-30. Review status: criteria provided, single submitter. Criteria: Invitae Variant Classification Sherloc (09022015). Collection method: clinical testing. Allele origin: germline.
Comment: In summary, the available evidence is currently insufficient to determine the role of this variant in disease. Therefore, it has been classified as a Variant of Uncertain Significance. Algorithms developed to predict the effect of sequence changes on RNA splicing suggest that this variant may disrupt the consensus splice site. This variant has not been reported in the literature in individuals affected with MYLK-related conditions. This variant is not present in population databases (gnomAD no frequency). This sequence change affects a donor splice site in intron 14 of the MYLK gene. This variant occurs in the long isoform of MYLK (PMID: 21055718). The current clinical and genetic evidence is not sufficient to establish whether loss-of-function variants in the long isoform of MYLK cause disease.

Literature cited by the submitters: PubMed 21055718.

NM_053025.4(MYLK):c.1942+1G>T

Gene: MYLK (myosin light chain kinase; minus strand). Cytogenetic location: 3q21.1.
Variant type: single nucleotide variant.
Coding change: c.1942+1G>T on transcript NM_053025.4 (MANE Select); the canonical splice donor site of the intron after coding-DNA position 1942, G replaced by T.
Molecular consequence: splice donor variant.
Genome position (GRCh38, 1-based): chr3:123,709,755, C>A on the plus strand (G>T on the coding strand, the complement: MYLK is on the minus strand). VCF-style: chr3-123709755-C-A. GRCh37 (hg19) VCF-style: chr3-123428602-C-A.
Other names: c.1414+1G>T (NM_001321309.2); c.1735+1G>T (NM_053028.4, NM_053026.4); c.1942+1G>T (NM_053027.4).
Identifiers: ClinVar variation 2832983 (VCV002832983.3), dbSNP rs2474322060, ClinGen allele CA354234622.
Genomic context (GRCh38, chr3:123,709,755, plus strand): 5'-TACCCATTGCAACCAAGACCATTTTCATGTTAATCCCCAAGAGAGAGCTGCAGAGACAGA[C>A]CTGACACTTGGACAGTCATAGTGACCTGGCTTCCATCCATGACTTTGAGATCAGAGAGGC-3'